The following is an entry in ClinVar:

ClinVar aggregate classification (germline): Uncertain significance. Review status: criteria provided, multiple submitters, no conflicts (2 of 4 stars). 2 submissions from 2 submitters: Uncertain significance (2). Last evaluated 2024-12-24.

Allele frequency attached by ClinVar (database versions not stated): TOPMed 0.00001.

Submissions (2):

Women's Health and Genetics/Laboratory Corporation of America, LabCorp
Classification: Uncertain significance. Last evaluated: 2024-12-24. Review status: criteria provided, single submitter. Criteria: LabCorp Variant Classification Summary - May 2015. Collection method: clinical testing. Allele origin: germline.
Comment: Variant summary: CHRNB2 c.1170C>G (p.Phe390Leu) results in a non-conservative amino acid change in the encoded protein sequence. Four of five in-silico tools predict a benign effect of the variant on protein function. The variant was absent in 131958 control chromosomes. The available data on variant occurrences in the general population are insufficient to allow any conclusion about variant significance. To our knowledge, no occurrence of c.1170C>G in individuals affected with Autosomal Dominant Nocturnal Frontal Lobe Epilepsy 3 and no experimental evidence demonstrating its impact on protein function have been reported. ClinVar contains an entry for this variant (Variation ID: 2571870). Based on the evidence outlined above, the variant was classified as uncertain significance.

GeneDx
Classification: Uncertain significance. Last evaluated: 2023-01-05. Review status: criteria provided, single submitter. Criteria: GeneDx Variant Classification Process June 2021. Collection method: clinical testing. Allele origin: germline. Affected: yes.
Comment: Not observed at significant frequency in large population cohorts (gnomAD); In silico analysis supports that this missense variant does not alter protein structure/function; Has not been previously published as pathogenic or benign to our knowledge

NM_000748.3(CHRNB2):c.1170C>G (p.Phe390Leu)

Gene: CHRNB2 (cholinergic receptor nicotinic beta 2 subunit; plus strand). Cytogenetic location: 1q21.3.
Variant type: single nucleotide variant.
Coding change: c.1170C>G on transcript NM_000748.3 (MANE Select); coding-DNA position 1170, C replaced by G.
Protein change: p.Phe390Leu; replaces phenylalanine 390 with leucine.
Molecular consequence: missense variant.
Genome position (GRCh38, 1-based): chr1:154,571,993, C>G. VCF-style: chr1-154571993-C-G. GRCh37 (hg19) VCF-style: chr1-154544469-C-G.
Other names: short protein forms F390L.
Identifiers: ClinVar variation 2571870 (VCV002571870.2), dbSNP rs1349333734, ClinGen allele CA342631627.